The following is an entry in ClinVar:

NM_005896.4(IDH1):c.1085T>C (p.Val362Ala)

Gene: IDH1 (isocitrate dehydrogenase (NADP(+)) 1; minus strand). Cytogenetic location: 2q34.
Variant type: single nucleotide variant.
Coding change: c.1085T>C on transcript NM_005896.4 (MANE Select); coding-DNA position 1085, T replaced by C.
Protein change: p.Val362Ala; replaces valine 362 with alanine.
Molecular consequence: missense variant.
Genome position (GRCh38, 1-based): chr2:208,239,140, A>G on the plus strand (T>C on the coding strand, the complement: IDH1 is on the minus strand). VCF-style: chr2-208239140-A-G. GRCh37 (hg19) VCF-style: chr2-209103864-A-G.
Other names: c.1085T>C, p.Val362Ala (NM_001282386.1, NM_001282387.1); short protein forms V362A.
Identifiers: ClinVar variation 1787526 (VCV001787526.3), dbSNP rs2124847428, ClinGen allele CA350094321.
Genomic context (GRCh38, chr2:208,239,140, plus strand): 5'-CCTTTAATGCAAGCAGCCAAGTCCTTGGTCATGAAGCCAGCCTCAATTGTCTCAATAGAG[A>G]CTTCTTCCAAAGCATTTGCAAAGAAGGCAAGCTCTTTATTGTTATCAAGCTTTGCTCTGT-3'
Protein context (NP_005887.2, residues 352-372): LAFFANALEE[Val362Ala]SIETIEAGFM

ClinVar aggregate classification (germline): Uncertain significance (1 of 4 stars; one submission).

Allele frequency attached by ClinVar (database versions not stated): gnomAD exomes below 0.00001.
gnomAD v4.1: 1 of 1,613,928 alleles (0.000062%); highest among the groups gnomAD compares: South Asian, 0.0011%; no homozygotes.

Submission:

Ambry Genetics
Classification: Uncertain significance. Last evaluated: 2024-07-31. Review status: criteria provided, single submitter. Criteria: Ambry Variant Classification Scheme 2023. Collection method: clinical testing. Allele origin: germline.
Comment: The p.V362A variant (also known as c.1085T>C), located in coding exon 7 of the IDH1 gene, results from a T to C substitution at nucleotide position 1085. The valine at codon 362 is replaced by alanine, an amino acid with similar properties. This amino acid position is conserved. In addition, the in silico prediction for this alteration is inconclusive. Since supporting evidence is limited at this time, the clinical significance of this alteration remains unclear.